The following is an entry in ClinVar:

NM_020921.4(NIN):c.1532T>A (p.Val511Glu)

Gene: NIN (ninein; minus strand). Cytogenetic location: 14q22.1.
Variant type: single nucleotide variant.
Coding change: c.1532T>A on transcript NM_020921.4 (MANE Select); coding-DNA position 1532, T replaced by A.
Protein change: p.Val511Glu; replaces valine 511 with glutamic acid.
Molecular consequence: missense variant.
Genome position (GRCh38, 1-based): chr14:50,766,793, A>T on the plus strand (T>A on the coding strand, the complement: NIN is on the minus strand). VCF-style: chr14-50766793-A-T. GRCh37 (hg19) VCF-style: chr14-51233511-A-T.
Other names: c.1532T>A, p.Val511Glu (NM_016350.5, NM_182944.3, NM_182946.2); c.1532T>A (NM_020921.3); short protein forms V511E.
Identifiers: ClinVar variation 3675051 (VCV003675051.3).

ClinVar aggregate classification (germline): Uncertain significance. Review status: criteria provided, multiple submitters, no conflicts (2 of 4 stars). 2 submissions from 2 submitters: Uncertain significance (2). Last evaluated 2025-08-13.

gnomAD v4.1: 7 of 1,611,214 alleles (0.00043%); highest among the groups gnomAD compares: African/African-American, 0.0067%; no homozygotes.

Submissions (2):

Ambry Genetics
Classification: Uncertain significance. Last evaluated: 2025-08-13. Review status: criteria provided, single submitter. Criteria: Ambry Variant Classification Scheme 2023. Collection method: clinical testing. Allele origin: germline.

Labcorp Genetics (formerly Invitae), Labcorp
Classification: Uncertain significance. Last evaluated: 2024-03-07. Review status: criteria provided, single submitter. Criteria: Invitae Variant Classification Sherloc (09022015). Collection method: clinical testing. Allele origin: germline.
Comment: This sequence change replaces valine, which is neutral and non-polar, with glutamic acid, which is acidic and polar, at codon 511 of the NIN protein (p.Val511Glu). This variant is present in population databases (no rsID available, gnomAD 0.01%). This variant has not been reported in the literature in individuals affected with NIN-related conditions. An algorithm developed to predict the effect of missense changes on protein structure and function (PolyPhen-2) suggests that this variant is likely to be disruptive. In summary, the available evidence is currently insufficient to determine the role of this variant in disease. Therefore, it has been classified as a Variant of Uncertain Significance.